The following is an entry in ClinVar:

NM_032119.4(ADGRV1):c.14374G>A (p.Gly4792Arg)

Gene: ADGRV1 (adhesion G protein-coupled receptor V1; plus strand). Cytogenetic location: 5q14.3.
Variant type: single nucleotide variant.
Coding change: c.14374G>A on transcript NM_032119.4 (MANE Select); coding-DNA position 14374, G replaced by A.
Protein change: p.Gly4792Arg; replaces glycine 4792 with arginine.
Molecular consequence: missense variant. On other transcripts: non-coding transcript variant (1).
Genome position (GRCh38, 1-based): chr5:90,791,203, G>A. VCF-style: chr5-90791203-G-A. GRCh37 (hg19) VCF-style: chr5-90087020-G-A.
Other names: short protein forms G4792R.
Identifiers: ClinVar variation 2969574 (VCV002969574.3), dbSNP rs1760033298, ClinGen allele CA360401681.
Genomic context (GRCh38, chr5:90,791,203, plus strand): 5'-TCAATACTTATTGGGCAGAACCTTATTAGATCCATCCAAATTAACATAACCCGGCTTGCT[G>A]GAACATTTGGAGATGTGGCTGTTGGGCTTCGAATATCATCGGATCATAAAGAACAGCCGA-3'
Protein context (NP_115495.3, residues 4782-4802): SIQINITRLA[Gly4792Arg]TFGDVAVGLR

ClinVar aggregate classification (germline): Uncertain significance (1 of 4 stars; one submission).

Allele frequency attached by ClinVar (database versions not stated): gnomAD 0.00001.
gnomAD v4.1: 1 of 1,613,756 alleles (0.000062%); highest among the groups gnomAD compares: African/African-American, 0.0013%; no homozygotes.

Submission:

Labcorp Genetics (formerly Invitae), Labcorp
Classification: Uncertain significance. Last evaluated: 2023-12-22. Review status: criteria provided, single submitter. Criteria: Invitae Variant Classification Sherloc (09022015). Collection method: clinical testing. Allele origin: germline.
Comment: This sequence change replaces glycine, which is neutral and non-polar, with arginine, which is basic and polar, at codon 4792 of the ADGRV1 protein (p.Gly4792Arg). This variant is not present in population databases (gnomAD no frequency). This missense change has been observed in individual(s) with retinitis pigmentosa (Invitae). In at least one individual the data is consistent with being in trans (on the opposite chromosome) from a pathogenic variant. Advanced modeling of protein sequence and biophysical properties (such as structural, functional, and spatial information, amino acid conservation, physicochemical variation, residue mobility, and thermodynamic stability) has been performed at Invitae for this missense variant, however the output from this modeling did not meet the statistical confidence thresholds required to predict the impact of this variant on ADGRV1 protein function. In summary, the available evidence is currently insufficient to determine the role of this variant in disease. Therefore, it has been classified as a Variant of Uncertain Significance.